The following is an entry in ClinVar:

NM_025144.4(ALPK1):c.1753A>C (p.Asn585His)

Gene: ALPK1 (alpha kinase 1; plus strand). Cytogenetic location: 4q25.
Variant type: single nucleotide variant.
Coding change: c.1753A>C on transcript NM_025144.4 (MANE Select); coding-DNA position 1753, A replaced by C.
Protein change: p.Asn585His; replaces asparagine 585 with histidine.
Molecular consequence: missense variant.
Genome position (GRCh38, 1-based): chr4:112,431,300, A>C. VCF-style: chr4-112431300-A-C. GRCh37 (hg19) VCF-style: chr4-113352456-A-C.
Other names: c.1753A>C, p.Asn585His (NM_001102406.2); c.1519A>C, p.Asn507His (NM_001253884.2); short protein forms N507H, N585H.
Identifiers: ClinVar variation 4771107 (VCV004771107.1).
Genomic context (GRCh38, chr4:112,431,300, plus strand): 5'-GGTGAGGGAGCTGTTTTCAACAAGTCTCTGAGTGGCAGCCAGACTTCCAGTGCTTGGAGC[A>C]ACTTATCAGGGTTTAGTTCCTCTGCAAGCTGGGAGGAAGTGAATTATCACGTTGACGACA-3'
Protein context (NP_079420.3, residues 575-595): SGSQTSSAWS[Asn585His]LSGFSSSASW

ClinVar aggregate classification (germline): Uncertain significance (1 of 4 stars; one submission).

gnomAD v4.1: 1 of 1,614,192 alleles (0.000062%); highest among the groups gnomAD compares: Non-Finnish European, 0.000085%; no homozygotes.

Submission:

Labcorp Genetics (formerly Invitae), Labcorp
Classification: Uncertain significance. Last evaluated: 2025-10-09. Review status: criteria provided, single submitter. Criteria: Invitae Variant Classification Sherloc (09022015). Collection method: clinical testing. Allele origin: germline.
Comment: This sequence change replaces asparagine, which is neutral and polar, with histidine, which is basic and polar, at codon 585 of the ALPK1 protein (p.Asn585His). This variant is not present in population databases (gnomAD no frequency). This variant has not been reported in the literature in individuals affected with ALPK1-related conditions. Invitae Evidence Modeling of protein sequence and biophysical properties (such as structural, functional, and spatial information, amino acid conservation, physicochemical variation, residue mobility, and thermodynamic stability) indicates that this missense variant is not expected to disrupt ALPK1 protein function with a negative predictive value of 80%. In summary, the available evidence is currently insufficient to determine the role of this variant in disease. Therefore, it has been classified as a Variant of Uncertain Significance.